The following is an entry in ClinVar:

NM_000038.6(APC):c.504_507del (p.Asp170fs)

Gene: APC (APC regulator of Wnt signaling pathway; plus strand). Cytogenetic location: 5q22.2.
Variant type: Deletion.
Coding change: c.504_507del on transcript NM_000038.6 (MANE Select); coding-DNA positions 504 to 507, 4 bases deleted (AATA; older notation c.504_507delAATA).
Protein change: p.Asp170fs; shifts the reading frame from aspartic acid 170.
Molecular consequence: frameshift variant. On other transcripts: 5 prime UTR variant (4), non-coding transcript variant (2).
Genome position (GRCh38, 1-based): chr5:112,775,710-112,775,713, AATA deleted. VCF-style (leftmost placement, unchanged base first): chr5-112775709-GAATA-G. GRCh37 (hg19) VCF-style: chr5-112111406-GAATA-G.
Other names: c.504_507del, p.Asp170fs (NM_001354896.2, NM_001354899.2, NM_001354903.2 and 16 more transcripts); c.534_537del, p.Asp180fs (NM_001354897.2, NM_001354902.2, NM_001127511.3 and 1 more transcripts); c.429_432del, p.Asp145fs (NM_001354898.2, NM_001354904.2, NM_001407451.1); c.327_330del, p.Asp111fs (NM_001354900.2, NM_001354901.2, NM_001354905.2 and 1 more transcripts); c.-532_-529del (NM_001354906.2, NM_001407470.1, NM_001407471.1 and 1 more transcripts); short protein forms D111fs, D170fs, D145fs, D180fs.
Identifiers: ClinVar variation 4747451 (VCV004747451.2).

ClinVar aggregate classification (germline): Pathogenic. Review status: criteria provided, multiple submitters, no conflicts (2 of 4 stars). 2 submissions from 2 submitters: Pathogenic (2). Last evaluated 2025-11-11.

Conditions:
Familial adenomatous polyposis 1 (FAP1). Also called: FAMILIAL ADENOMATOUS POLYPOSIS 1, ATTENUATED; POLYPOSIS, ADENOMATOUS INTESTINAL. Identifiers: MedGen C2713442, MONDO:0021056, OMIM 175100. Disease mechanism: loss of function.

Submissions (2):

Clinical Genomics Laboratory, Washington University in St. Louis
Classification: Pathogenic for Familial adenomatous polyposis 1. Last evaluated: 2025-11-11. Review status: criteria provided, single submitter. Criteria: ACMG Guidelines, 2015. Collection method: clinical testing. Allele origin: germline. Affected: yes.
Comment: The APC c.504_507del (p.Asp170Valfs*4) variant, to our knowledge, has not been reported in medical literature. It is absent from the general population (gnomAD v2.1.1). This variant causes a frameshift by deleting four nucleotides, leading to a premature termination codon, which is predicted to lead to nonsense mediated decay. The individual with this variant exhibits a colorectal phenotype that is highly specific to APC with extensive family history of colon cancer. Based on available information and the ClinGen InSiGHT Hereditary Colorectal Cancer/Polyposis Expert Panel Specifications to the ACMG/AMP Variant Interpretation Guidelines for APC Version 2.1.0 (Spier I et al., PMID: 37800450), this variant is classified as pathogenic.

Labcorp Genetics (formerly Invitae), Labcorp
Classification: Pathogenic for Familial adenomatous polyposis 1. Last evaluated: 2025-02-06. Review status: criteria provided, single submitter. Criteria: Invitae Variant Classification Sherloc (09022015). Collection method: clinical testing. Allele origin: germline.
Comment: This sequence change creates a premature translational stop signal (p.Asp170Valfs*4) in the APC gene. It is expected to result in an absent or disrupted protein product. Loss-of-function variants in APC are known to be pathogenic (PMID: 17963004, 20685668). This variant is not present in population databases (gnomAD no frequency). This premature translational stop signal has been observed in individual(s) with familial adenomatous polyposis (PMID: 14574009). For these reasons, this variant has been classified as Pathogenic.

Literature cited by the submitters: PubMed 17963004 (cited by Labcorp Genetics (formerly Invitae), Labcorp); PubMed 20685668 (cited by Labcorp Genetics (formerly Invitae), Labcorp); PubMed 14574009 (cited by Labcorp Genetics (formerly Invitae), Labcorp).